The following is an entry in ClinVar:

NM_015378.4(VPS13D):c.7066A>G (p.Thr2356Ala)

Gene: VPS13D (vacuolar protein sorting 13 homolog D; plus strand). Cytogenetic location: 1p36.22.
Variant type: single nucleotide variant.
Coding change: c.7066A>G on transcript NM_015378.4 (MANE Select); coding-DNA position 7066, A replaced by G.
Protein change: p.Thr2356Ala; replaces threonine 2356 with alanine.
Molecular consequence: missense variant.
Genome position (GRCh38, 1-based): chr1:12,314,245, A>G. VCF-style: chr1-12314245-A-G. GRCh37 (hg19) VCF-style: chr1-12374302-A-G.
Other names: c.7066A>G, p.Thr2356Ala (NM_018156.4); short protein forms T2356A.
Identifiers: ClinVar variation 3372246 (VCV003372246.1).
Genomic context (GRCh38, chr1:12,314,245, plus strand): 5'-TCCCATTCCATGATGGCTTTTGACACCCGTTATGCTGGGCAGAAGACCAGCCCTGGCATG[A>G]CGAATGTGTTCAGCTGTATCTTTCAGCCCGCTAAGAACAGCAGCACCACCCAAGGGTCCA-3'
Protein context (NP_056193.2, residues 2346-2366): YAGQKTSPGM[Thr2356Ala]NVFSCIFQPA

ClinVar aggregate classification (germline): Uncertain significance (1 of 4 stars; one submission).

Submission:

GeneDx
Classification: Uncertain significance. Last evaluated: 2024-04-09. Review status: criteria provided, single submitter. Criteria: GeneDx Variant Classification Process June 2021. Collection method: clinical testing. Allele origin: germline. Affected: yes.
Comment: Not observed at significant frequency in large population cohorts (gnomAD); In silico analysis indicates that this missense variant does not alter protein structure/function; Has not been previously published as pathogenic or benign to our knowledge